The following is an entry in ClinVar:

NM_000784.4(CYP27A1):c.1573C>T (p.Gln525Ter)

Gene: CYP27A1 (cytochrome P450 family 27 subfamily A member 1; plus strand). Cytogenetic location: 2q35.
Variant type: single nucleotide variant.
Coding change: c.1573C>T on transcript NM_000784.4 (MANE Select); coding-DNA position 1573, C replaced by T.
Protein change: p.Gln525Ter; replaces glutamine 525 with a stop codon.
Molecular consequence: nonsense.
Genome position (GRCh38, 1-based): chr2:218,815,007, C>T. VCF-style: chr2-218815007-C-T. GRCh37 (hg19) VCF-style: chr2-219679730-C-T.
Other names: short protein forms Q525*.
Identifiers: ClinVar variation 555220 (VCV000555220.7), dbSNP rs374507635, ClinGen allele CA350596773.

ClinVar aggregate classification (germline): Conflicting classifications of pathogenicity. Review status: criteria provided, conflicting classifications (1 of 4 stars). 3 submissions from 3 submitters: Pathogenic (1); Uncertain significance (1). 1 of the submissions does not count toward it. Last evaluated 2026-01-27.

Conditions:
Cholestanol storage disease (CTX). Also called: CTX: Cerebrotendinous xanthomatosis; CEREBRAL CHOLESTERINOSIS; Cerebrotendinous Xanthomatosis. Identifiers: Orphanet 909, MedGen C0238052, MONDO:0008948, OMIM 213700.

Allele frequency attached by ClinVar (database versions not stated): gnomAD exomes below 0.00001.
gnomAD v4.1: 9 of 1,614,206 alleles (0.00056%); highest among the groups gnomAD compares: Admixed American, 0.0017%; no homozygotes.

Submissions (3):

Natera, Inc.
Classification: Pathogenic for Cerebrotendinous xanthomatosis. Last evaluated: 2026-01-27. Review status: criteria provided, single submitter. Criteria: Natera Variant Classification Schema (03/2026). Collection method: clinical testing. Allele origin: germline.
Comment: The c.1573C>T variant in CYP27A1 is a nonsense variant predicted to introduce a stop codon at amino acid 525. This variant may result in a truncated or dysfunctional protein product. This variant is rare in the general population with a frequency below the threshold expected for the associated phenotype(s). This variant has been observed in one or more individuals affected with the associated recessive disease, as either homozygous or compound heterozygous with a second variant (PMID: 21404287, 21645175). Additionally, this variant has been observed to segregate in affected family members (PMID: 21645175). Given the available evidence, this variant is classified as Pathogenic.

Labcorp Genetics (formerly Invitae), Labcorp
Classification: Uncertain significance for Cholestanol storage disease. Last evaluated: 2022-01-17. Review status: criteria provided, single submitter. Criteria: Invitae Variant Classification Sherloc (09022015). Collection method: clinical testing. Allele origin: germline.
Comment: This sequence change creates a premature translational stop signal (p.Gln525*) in the CYP27A1 gene. While this is not anticipated to result in nonsense mediated decay, it is expected to disrupt the last 7 amino acid(s) of the CYP27A1 protein. This variant is present in population databases (no rsID available, gnomAD 0.003%). This premature translational stop signal has been observed in individual(s) with cerebrotendinous xanthomatosis (PMID: 21404287). ClinVar contains an entry for this variant (Variation ID: 555220). Experimental studies and prediction algorithms are not available or were not evaluated, and the functional significance of this variant is currently unknown. In summary, the available evidence is currently insufficient to determine the role of this variant in disease. Therefore, it has been classified as a Variant of Uncertain Significance.

Counsyl
Classification: Likely pathogenic for Cholestanol storage disease. Last evaluated: 2017-11-29. Review status: no assertion criteria provided. Collection method: clinical testing. Allele origin: unknown. Not counted in ClinVar's aggregate classification.

Literature cited by the submitters: PubMed 21404287 (cited by Natera, Inc. and Labcorp Genetics (formerly Invitae), Labcorp); PubMed 21645175 (cited by Natera, Inc. and Counsyl).